The following is an entry in ClinVar:

NM_002737.3(PRKCA):c.288T>A (p.Asp96Glu)

Gene: PRKCA (protein kinase C alpha; plus strand). Cytogenetic location: 17q24.2.
Variant type: single nucleotide variant.
Coding change: c.288T>A on transcript NM_002737.3 (MANE Select); coding-DNA position 288, T replaced by A.
Protein change: p.Asp96Glu; replaces aspartic acid 96 with glutamic acid.
Molecular consequence: missense variant.
Genome position (GRCh38, 1-based): chr17:66,496,283, T>A. VCF-style: chr17-66496283-T-A. GRCh37 (hg19) VCF-style: chr17-64492401-T-A.
Other names: short protein forms D96E.
Identifiers: ClinVar variation 3344846 (VCV003344846.1).

ClinVar aggregate classification (germline): Uncertain significance (0 of 4 stars; one submission).

Conditions:
PRKCA-related disorder. Also called: PRKCA-related condition.

Submission:

PreventionGenetics, part of Exact Sciences
Classification: Uncertain significance for PRKCA-related condition. Last evaluated: 2024-05-09. Review status: no assertion criteria provided. Collection method: clinical testing. Allele origin: germline.
Comment: The PRKCA c.288T>A variant is predicted to result in the amino acid substitution p.Asp96Glu. To our knowledge, this variant has not been reported in the literature or in a large population database, indicating this variant is rare. At this time, the clinical significance of this variant is uncertain due to the absence of conclusive functional and genetic evidence.